The following is an entry in ClinVar:

ClinVar aggregate classification (germline): Benign. Review status: criteria provided, multiple submitters, no conflicts (2 of 4 stars). 3 submissions from 3 submitters: Benign (3). Last evaluated 2023-11-12.

Allele frequency attached by ClinVar (database versions not stated): gnomAD exomes 0.11935; gnomAD 0.13961 and 0.14000; TOPMed 0.14787; 1000 Genomes Project 0.17592; 1000 Genomes Project 30x 0.17661.
gnomAD v4.1: 132,566 of 1,083,050 alleles (12%); highest among the groups gnomAD compares: East Asian, 36%; 10,777 homozygotes.

Submissions (3):

Unidad de Genómica Garrahan, Hospital de Pediatría Garrahan
Classification: Benign. Last evaluated: 2023-11-12. Review status: criteria provided, single submitter. Criteria: ACMG Guidelines, 2015. Collection method: clinical testing. Allele origin: germline. Affected: no. Observed: 33 variant alleles.
Comment: This variant is classified as Benign based on local population frequency. This variant was detected in 34% of patients studied by a panel of primary immunodeficiencies. Number of patients: 33. Only high quality variants are reported.

GeneDx
Classification: Benign. Last evaluated: 2021-01-12. Review status: criteria provided, single submitter. Criteria: GeneDx Variant Classification Process June 2021. Collection method: clinical testing. Allele origin: germline. Affected: yes.

Breakthrough Genomics
Classification: Benign. Review status: criteria provided, single submitter. Criteria: ACMG Guidelines, 2015. Collection method: not provided. Allele origin: germline. Inheritance: Autosomal recessive inheritance. Affected: yes.

NM_024570.4(RNASEH2B):c.510+69G>A

Gene: RNASEH2B (ribonuclease H2 subunit B; plus strand). Cytogenetic location: 13q14.3.
Variant type: single nucleotide variant.
Coding change: c.510+69G>A on transcript NM_024570.4 (MANE Select); 69 bases into the intron after coding-DNA position 510, G replaced by A.
Molecular consequence: intron variant.
Genome position (GRCh38, 1-based): chr13:50,943,463, G>A. VCF-style: chr13-50943463-G-A. GRCh37 (hg19) VCF-style: chr13-51517599-G-A.
Other names: c.510+69G>A (NM_001142279.2).
Identifiers: ClinVar variation 1230054 (VCV001230054.6), dbSNP rs1927742, ClinGen allele CA249998013.